The following is an entry in ClinVar:

ClinVar aggregate classification (germline): Uncertain significance. Review status: criteria provided, multiple submitters, no conflicts (2 of 4 stars). 2 submissions from 2 submitters: Uncertain significance (2). Last evaluated 2025-03-04.

Conditions:
Hereditary cancer-predisposing syndrome. Also called: Hereditary Cancer Syndrome; Hereditary neoplastic syndrome; Neoplastic Syndromes, Hereditary; Tumor predisposition. Identifiers: Orphanet 140162, MedGen C0027672, MeSH D009386, MONDO:0015356.

Allele frequency attached by ClinVar (database versions not stated): gnomAD exomes below 0.00001 and 0.00001.
gnomAD v4.1: 1 of 1,614,160 alleles (0.000062%); highest among the groups gnomAD compares: Admixed American, 0.0017%; no homozygotes.

Submissions (2):

Center for Genomic Medicine, Rigshospitalet, Copenhagen University Hospital
Classification: Uncertain significance. Last evaluated: 2025-03-04. Review status: criteria provided, single submitter. Criteria: ACMG Guidelines, 2015. Collection method: clinical testing. Allele origin: germline.

Sema4
Classification: Uncertain significance for Hereditary cancer-predisposing syndrome. Last evaluated: 2022-02-09. Review status: criteria provided, single submitter. Criteria: Sema4 Curation Guidelines. Collection method: curation. Allele origin: germline.
Comment: The DICER1 c.5648A>G (p.E1883G) variant has not been reported in the literature to our knowledge. This variant was observed in 2/34592 chromosomes in the Latino population, according to the Genome Aggregation Database (PMID: 32461654). The variant has not been reported in ClinVar. Functional studies have not been performed, and in silico predictions of the variant's effect on protein function are inconclusive. The evidence is insufficient to meet ACMG/AMP criteria for classifying the variant as benign or pathogenic. Thus, the clinical significance of this variant is currently uncertain.

NM_177438.3(DICER1):c.5648A>G (p.Glu1883Gly)

Gene: DICER1 (dicer 1, ribonuclease III; minus strand). Cytogenetic location: 14q32.13.
Variant type: single nucleotide variant.
Coding change: c.5648A>G on transcript NM_177438.3 (MANE Select); coding-DNA position 5648, A replaced by G.
Protein change: p.Glu1883Gly; replaces glutamic acid 1883 with glycine.
Molecular consequence: missense variant. On other transcripts: non-coding transcript variant (6).
Genome position (GRCh38, 1-based): chr14:95,090,619, T>C on the plus strand (A>G on the coding strand, the complement: DICER1 is on the minus strand). VCF-style: chr14-95090619-T-C. GRCh37 (hg19) VCF-style: chr14-95556956-T-C.
Other names: c.5485A>G, p.Lys1829Glu (NM_001195573.1); c.5648A>G, p.Glu1883Gly (NM_001271282.3, NM_001291628.2, NM_001395677.1 and 7 more transcripts); c.5366A>G, p.Glu1789Gly (NM_001395686.1); c.5243A>G, p.Glu1748Gly (NM_001395687.1, NM_001395688.1, NM_001395689.1 and 1 more transcripts); c.5081A>G, p.Glu1694Gly (NM_001395691.1); c.3965A>G, p.Glu1322Gly (NM_001395697.1); short protein forms E1322G, E1694G, E1748G, E1789G, E1883G, K1829E.
Identifiers: ClinVar variation 1692096 (VCV001692096.2), dbSNP rs1299000813, ClinGen allele CA390863507.
Genomic context (GRCh38, chr14:95,090,619, plus strand): 5'-GCAGATTTGGCAATCCTGTAACTTCGACCAACACCTTTAAATTTCCCCTTTCCTACTACT[T>C]CCACAGTGACTCTGACCTTCCCGTCGTAAGTTCTCTCAGCCGGGCTGTAAAAAATCCAAA-3'
Protein context (NP_803187.1, residues 1873-1893): TYDGKVRVTV[Glu1883Gly]VVGKGKFKGV